The following is an entry in ClinVar:

ClinVar aggregate classification (germline): Uncertain significance (1 of 4 stars; one submission).

gnomAD v4.1: 5 of 1,614,070 alleles (0.00031%); highest among the groups gnomAD compares: Non-Finnish European, 0.00042%; no homozygotes.

Submission:

Labcorp Genetics (formerly Invitae), Labcorp
Classification: Uncertain significance. Last evaluated: 2024-07-29. Review status: criteria provided, single submitter. Criteria: Invitae Variant Classification Sherloc (09022015). Collection method: clinical testing. Allele origin: germline.
Comment: This sequence change replaces glutamic acid, which is acidic and polar, with glutamine, which is neutral and polar, at codon 81 of the ZMYND11 protein (p.Glu81Gln). This variant is present in population databases (rs779360910, gnomAD 0.0009%). This variant has not been reported in the literature in individuals affected with ZMYND11-related conditions. Advanced modeling of protein sequence and biophysical properties (such as structural, functional, and spatial information, amino acid conservation, physicochemical variation, residue mobility, and thermodynamic stability) performed at Invitae indicates that this missense variant is not expected to disrupt ZMYND11 protein function with a negative predictive value of 80%. In summary, the available evidence is currently insufficient to determine the role of this variant in disease. Therefore, it has been classified as a Variant of Uncertain Significance.

NM_001370100.5(ZMYND11):c.241G>C (p.Glu81Gln)

Gene: ZMYND11 (zinc finger MYND-type containing 11; plus strand). Cytogenetic location: 10p15.3.
Variant type: single nucleotide variant.
Coding change: c.241G>C on transcript NM_001370100.5 (MANE Select); coding-DNA position 241, G replaced by C.
Protein change: p.Glu81Gln; replaces glutamic acid 81 with glutamine.
Molecular consequence: missense variant. On other transcripts: non-coding transcript variant (1), intron variant (1).
Genome position (GRCh38, 1-based): chr10:210,013, G>C. VCF-style: chr10-210013-G-C. GRCh37 (hg19) VCF-style: chr10-255953-G-C.
Other names: c.241G>C, p.Glu81Gln (NM_001370110.2, NM_001370111.2, NM_001370113.2 and 24 more transcripts); c.190G>C, p.Glu64Gln (NM_001370112.2, NM_001370123.2, NM_001330057.3); c.175G>C, p.Glu59Gln (NM_001370116.2, NM_001370120.2); c.121G>C, p.Glu41Gln (NM_001370118.2, NM_001370121.2); c.-33-26825G>C (NM_001370124.3); short protein forms E59Q, E41Q, E64Q, E81Q.
Identifiers: ClinVar variation 3679478 (VCV003679478.2).